The following is an entry in ClinVar:

NM_020699.4(GATAD2B):c.895C>T (p.Gln299Ter)

Gene: GATAD2B (GATA zinc finger domain containing 2B; minus strand). Cytogenetic location: 1q21.3.
Variant type: single nucleotide variant.
Coding change: c.895C>T on transcript NM_020699.4 (MANE Select); coding-DNA position 895, C replaced by T.
Protein change: p.Gln299Ter; replaces glutamine 299 with a stop codon.
Molecular consequence: nonsense.
Genome position (GRCh38, 1-based): chr1:153,817,377, G>A on the plus strand (C>T on the coding strand, the complement: GATAD2B is on the minus strand). VCF-style: chr1-153817377-G-A. GRCh37 (hg19) VCF-style: chr1-153789853-G-A.
Other names: short protein forms Q299*.
Identifiers: ClinVar variation 982995 (VCV000982995.1), dbSNP rs1674512996, ClinGen allele CA342529592.
Genomic context (GRCh38, chr1:153,817,377, plus strand): 5'-CAAAGCAAACAAAGGGATTTCTCTGTTTCCACATTAGGGCTCAGCTCTCTCTTACCGGTT[G>A]ATAATTGATGGCGGGATTCATGTTGGGTGTTGTGGTGCGTACAAGGCCAGGCTTAGGCGG-3'

ClinVar aggregate classification (germline): Pathogenic (1 of 4 stars; one submission).

Conditions:
Severe intellectual disability-poor language-strabismus-grimacing face-long fingers syndrome (GAND). Also called: GAND SYNDROME. Identifiers: Orphanet 363686, MedGen C3554448, MONDO:0014034, OMIM 615074.

Submission:

Institute of Human Genetics, University of Leipzig Medical Center
Classification: Pathogenic for Severe intellectual disability-poor language-strabismus-grimacing face-long fingers syndrome. Last evaluated: 2019-01-01. Review status: criteria provided, single submitter. Criteria: ACMG Guidelines, 2015. Collection method: clinical testing. Allele origin: de novo. Affected: yes.
Comment: This variant was identified as de novo.